The following is an entry in ClinVar:

NM_170707.4(LMNA):c.1968+26A>G

Gene: LMNA (lamin A/C; plus strand). Cytogenetic location: 1q22.
Variant type: single nucleotide variant.
Coding change: c.1968+26A>G on transcript NM_170707.4 (MANE Select); 26 bases into the intron after coding-DNA position 1968, A replaced by G.
Molecular consequence: intron variant.
Genome position (GRCh38, 1-based): chr1:156,138,783, A>G. VCF-style: chr1-156138783-A-G. GRCh37 (hg19) VCF-style: chr1-156108574-A-G.
Other names: c.1818+176A>G (NM_001282626.2); c.1878+26A>G (NM_170708.4); c.1632+26A>G (NM_001257374.3).
Identifiers: ClinVar variation 66880 (VCV000066880.14), dbSNP rs80264244, ClinGen allele CA020505.

ClinVar aggregate classification (germline): Benign. Review status: criteria provided, multiple submitters, no conflicts (2 of 4 stars). 6 submissions from 6 submitters: Benign (3). 3 of the submissions do not count toward it. Last evaluated 2018-06-14.

Allele frequency attached by ClinVar (database versions not stated): 1000 Genomes Project 0.03654; gnomAD exomes 0.00336 and 0.00887; ESP Exome Variant Server 0.03290; gnomAD 0.03580 and 0.03826; TOPMed 0.03887; ExAC 0.01068; 1000 Genomes Project 30x 0.03857.
gnomAD v4.1: 10,558 of 1,612,884 alleles (0.65%); highest among the groups gnomAD compares: African/African-American, 12%; 595 homozygotes.

Submissions (9):

GeneDx
Classification: Benign. Last evaluated: 2018-06-14. Review status: criteria provided, single submitter. Criteria: GeneDx Variant Classification (06012015). Collection method: clinical testing. Allele origin: germline. Affected: yes.
Comment: This variant is considered likely benign or benign based on one or more of the following criteria: it is a conservative change, it occurs at a poorly conserved position in the protein, it is predicted to be benign by multiple in silico algorithms, and/or has population frequency not consistent with disease.

ARUP Laboratories, Molecular Genetics and Genomics, ARUP Laboratories
Classification: Benign. Last evaluated: 2016-11-29. Review status: criteria provided, single submitter. Criteria: ARUP Molecular Germline Variant Investigation Process. Collection method: clinical testing. Allele origin: germline.

Breakthrough Genomics
Classification: Benign. Review status: criteria provided, single submitter. Criteria: ACMG Guidelines, 2015. Collection method: not provided. Allele origin: germline. Inheritance: Autosomal recessive inheritance. Affected: yes.

Clinical Genetics DNA and cytogenetics Diagnostics Lab, Erasmus MC, Erasmus Medical Center
Classification: Benign. Review status: no assertion criteria provided. Collection method: clinical testing. Allele origin: germline. Affected: yes. Study: VKGL Data-share Consensus. Not counted in ClinVar's aggregate classification.

Dr. Peter K. Rogan Lab, Western University
No classification provided (evidence only). Condition: Lung cancer. Review status: no classification provided. Collection method: in vitro. Allele origin: not applicable. Functional consequence: skipped exon, retained intron. Not counted in ClinVar's aggregate classification.

Dr. Peter K. Rogan Lab, Western University
No classification provided (evidence only). Condition: Sarcoma. Review status: no classification provided. Collection method: in vitro. Allele origin: not applicable. Functional consequence: retained intron. Not counted in ClinVar's aggregate classification.

Dr. Peter K. Rogan Lab, Western University
No classification provided (evidence only). Condition: Gastric cancer. Review status: no classification provided. Collection method: in vitro. Allele origin: not applicable. Functional consequence: retained intron. Not counted in ClinVar's aggregate classification.

Epithelial Biology;  Institute of Medical Biology, Singapore
No classification provided. Review status: no classification provided. Collection method: not provided. Allele origin: not provided. Not counted in ClinVar's aggregate classification.

Joint Genome Diagnostic Labs from Nijmegen and Maastricht, Radboudumc and MUMC+
Classification: Benign. Review status: no assertion criteria provided. Collection method: clinical testing. Allele origin: germline. Affected: yes. Study: VKGL Data-share Consensus. Not counted in ClinVar's aggregate classification.